The following is an entry in ClinVar:

ClinVar aggregate classification (germline): Uncertain significance (1 of 4 stars; one submission).

Conditions:
Ataxia-telangiectasia syndrome (AT). Also called: LOUIS-BAR SYNDROME; Cerebello-oculocutaneous telangiectasia; Immunodeficiency with ataxia telangiectasia; Ataxia-telangiectasia, complementation group D; AT, COMPLEMENTATION GROUP C; ATAXIA-TELANGIECTASIA, COMPLEMENTATION GROUP A. Identifiers: Orphanet 100, MedGen C0004135, MONDO:0008840, OMIM 208900.

Submission:

Labcorp Genetics (formerly Invitae), Labcorp
Classification: Uncertain significance for Ataxia-telangiectasia syndrome. Last evaluated: 2025-05-18. Review status: criteria provided, single submitter. Criteria: Invitae Variant Classification Sherloc (09022015). Collection method: clinical testing. Allele origin: germline.
Comment: This sequence change replaces leucine, which is neutral and non-polar, with proline, which is neutral and non-polar, at codon 2261 of the ATM protein (p.Leu2261Pro). This variant is not present in population databases (gnomAD no frequency). This variant has not been reported in the literature in individuals affected with ATM-related conditions. Invitae Evidence Modeling of protein sequence and biophysical properties (such as structural, functional, and spatial information, amino acid conservation, physicochemical variation, residue mobility, and thermodynamic stability) has been performed for this missense variant. However, the output from this modeling did not meet the statistical confidence thresholds required to predict the impact of this variant on ATM protein function. In summary, the available evidence is currently insufficient to determine the role of this variant in disease. Therefore, it has been classified as a Variant of Uncertain Significance.

NM_000051.4(ATM):c.6782T>C (p.Leu2261Pro)

Genes: C11orf65 (chromosome 11 open reading frame 65; minus strand), ATM (ATM serine/threonine kinase; plus strand). Cytogenetic location: 11q22.3.
Variant type: single nucleotide variant.
Coding change: c.6782T>C on transcript NM_000051.4 (MANE Select); coding-DNA position 6782, T replaced by C.
Protein change: p.Leu2261Pro; replaces leucine 2261 with proline.
Molecular consequence: missense variant. On other transcripts: intron variant (2).
Genome position (GRCh38, 1-based): chr11:108,325,519, T>C. VCF-style: chr11-108325519-T-C. GRCh37 (hg19) VCF-style: chr11-108196246-T-C.
Other names: c.6782T>C, p.Leu2261Pro (NM_001351834.2); c.641-16448A>G (NM_001330368.2); c.*38+9701A>G (NM_001351110.2); short protein forms L2261P.
Identifiers: ClinVar variation 4747245 (VCV004747245.1).
Genomic context (GRCh38, chr11:108,325,519, plus strand): 5'-ACTCACAAAGAGAATGTATTAAGGACATTCTCACCAAACACCTTGTAGAACTCTCTATAC[T>C]GGCCAGAACTTTCAAGAACACTCAGGTAAATACAATTTAAAACTATGTCATCTTACCTCT-3'
Protein context (NP_000042.3, residues 2251-2271): LTKHLVELSI[Leu2261Pro]ARTFKNTQLP